The following is an entry in ClinVar:

NM_198578.4(LRRK2):c.3899A>G (p.Asp1300Gly)

Gene: LRRK2 (leucine rich repeat kinase 2; plus strand). Cytogenetic location: 12q12.
Variant type: single nucleotide variant.
Coding change: c.3899A>G on transcript NM_198578.4 (MANE Select); coding-DNA position 3899, A replaced by G.
Protein change: p.Asp1300Gly; replaces aspartic acid 1300 with glycine.
Molecular consequence: missense variant.
Genome position (GRCh38, 1-based): chr12:40,305,906, A>G. VCF-style: chr12-40305906-A-G. GRCh37 (hg19) VCF-style: chr12-40699708-A-G.
Other names: short protein forms D1300G.
Identifiers: ClinVar variation 1735959 (VCV001735959.2), dbSNP rs2499795564, ClinGen allele CA384417294.
Genomic context (GRCh38, chr12:40,305,906, plus strand): 5'-AACTAAGATCCTTTCCCAATGAAATGGGGAAATTAAGCAAAATATGGGATCTTCCTTTGG[A>G]TGAACTGCATCTTAACTTTGATTTTAAACATATAGGATGTAAAGCCAAAGACATCATAAG-3'
Protein context (NP_940980.4, residues 1290-1310): KLSKIWDLPL[Asp1300Gly]ELHLNFDFKH

ClinVar aggregate classification (germline): Uncertain significance (1 of 4 stars; one submission).

Conditions:
Inborn genetic diseases. Identifiers: MedGen C0950123, MeSH D030342.

Submission:

Ambry Genetics
Classification: Uncertain significance for Inborn genetic diseases. Last evaluated: 2022-06-15. Review status: criteria provided, single submitter. Criteria: Ambry Variant Classification Scheme 2023. Collection method: clinical testing. Allele origin: germline.
Comment: The p.D1300G variant (also known as c.3899A>G), located in coding exon 28 of the LRRK2 gene, results from an A to G substitution at nucleotide position 3899. The aspartic acid at codon 1300 is replaced by glycine, an amino acid with similar properties. This amino acid position is conserved. In addition, the in silico prediction for this alteration is inconclusive. Since supporting evidence is limited at this time, the clinical significance of this alteration remains unclear.